The following is an entry in ClinVar:

NM_000414.4(HSD17B4):c.1357C>T (p.Leu453Phe)

Gene: HSD17B4 (hydroxysteroid 17-beta dehydrogenase 4; plus strand). Cytogenetic location: 5q23.1.
Variant type: single nucleotide variant.
Coding change: c.1357C>T on transcript NM_000414.4 (MANE Select); coding-DNA position 1357, C replaced by T.
Protein change: p.Leu453Phe; replaces leucine 453 with phenylalanine.
Molecular consequence: missense variant.
Genome position (GRCh38, 1-based): chr5:119,509,164, C>T. VCF-style: chr5-119509164-C-T. GRCh37 (hg19) VCF-style: chr5-118844859-C-T.
Other names: c.1432C>T, p.Leu478Phe (NM_001199291.3); c.1303C>T, p.Leu435Phe (NM_001199292.2); c.1285C>T, p.Leu429Phe (NM_001292027.2); c.937C>T, p.Leu313Phe (NM_001292028.2); short protein forms L453F, L435F, L478F, L313F, L429F.
Identifiers: ClinVar variation 350466 (VCV000350466.10), dbSNP rs372898042, ClinGen allele CA3382212.

ClinVar aggregate classification (germline): Uncertain significance. Review status: criteria provided, multiple submitters, no conflicts (2 of 4 stars). 4 submissions from 3 submitters: Uncertain significance (3). 1 of the submissions does not count toward it. Last evaluated 2021-08-28.

Conditions:
Perrault syndrome. Also called: Gonadal dysgenesis with auditory dysfunction, autosomal recessive inheritance. Identifiers: Orphanet 2855, MedGen C0685838, MONDO:0017312.
Bifunctional peroxisomal enzyme deficiency (DBIF). Also called: DBP DEFICIENCY; PBFE DEFICIENCY; D-bifunctional protein deficiency. Identifiers: Orphanet 300, MedGen C0342870, MONDO:0009855, OMIM 261515. Disease mechanism: loss of function.
Perrault syndrome 1 (PRLTS1). Also called: GONADAL DYSGENESIS, XX TYPE, WITH DEAFNESS; OVARIAN DYSGENESIS WITH SENSORINEURAL DEAFNESS. Identifiers: Orphanet 2855, Orphanet 642945, MedGen C4551721, MONDO:0009300, OMIM 233400.

Allele frequency attached by ClinVar (database versions not stated): TOPMed 0.00004; gnomAD exomes 0.00005 and 0.00007; ExAC 0.00006; ESP Exome Variant Server 0.00031.
gnomAD v4.1: 108 of 1,596,562 alleles (0.0068%); highest among the groups gnomAD compares: Non-Finnish European, 0.0088%; no homozygotes.

Submissions (4):

Labcorp Genetics (formerly Invitae), Labcorp
Classification: Uncertain significance for Perrault syndrome; Bifunctional peroxisomal enzyme deficiency. Last evaluated: 2021-08-28. Review status: criteria provided, single submitter. Criteria: Invitae Variant Classification Sherloc (09022015). Collection method: clinical testing. Allele origin: germline.
Comment: This sequence change replaces leucine with phenylalanine at codon 453 of the HSD17B4 protein (p.Leu453Phe). The leucine residue is highly conserved and there is a small physicochemical difference between leucine and phenylalanine. This variant is present in population databases (rs372898042, ExAC 0.009%). This variant has not been reported in the literature in individuals affected with HSD17B4-related conditions. ClinVar contains an entry for this variant (Variation ID: 350466). Algorithms developed to predict the effect of missense changes on protein structure and function are either unavailable or do not agree on the potential impact of this missense change (SIFT: "Deleterious"; PolyPhen-2: "Benign"; Align-GVGD: "Class C0"). In summary, the available evidence is currently insufficient to determine the role of this variant in disease. Therefore, it has been classified as a Variant of Uncertain Significance.

Illumina Laboratory Services, Illumina
Classification: Uncertain significance for Perrault syndrome 1. Last evaluated: 2018-01-12. Review status: criteria provided, single submitter. Criteria: ICSL Variant Classification Criteria 13 December 2019. Collection method: clinical testing. Allele origin: germline.

Illumina Laboratory Services, Illumina
Classification: Uncertain significance for Bifunctional peroxisomal enzyme deficiency. Last evaluated: 2018-01-12. Review status: criteria provided, single submitter. Criteria: ICSL Variant Classification Criteria 13 December 2019. Collection method: clinical testing. Allele origin: germline.

Natera, Inc.
Classification: Uncertain significance for Bifunctional peroxisomal enzyme deficiency. Last evaluated: 2019-10-28. Review status: no assertion criteria provided. Collection method: clinical testing. Allele origin: germline. Not counted in ClinVar's aggregate classification.